The following is an entry in ClinVar:

ClinVar aggregate classification (germline): Benign/Likely benign. Review status: criteria provided, multiple submitters, no conflicts (2 of 4 stars). 7 submissions from 7 submitters: Benign (2); Likely benign (3). 2 of the submissions do not count toward it. Last evaluated 2026-08-01.

Conditions:
Pityriasis rubra pilaris (PRP). Also called: Pityriasis rubra pilaris--familial type. Identifiers: Orphanet 2897, MedGen C0032027, MONDO:0100017, OMIM 173200, MONDO:0008251.
Psoriasis 2. Identifiers: MedGen C1864497, MONDO:0011269, OMIM 602723.
Autoinflammatory syndrome. Identifiers: Orphanet 93665, MedGen C3890737, MONDO:0019751.

Allele frequency attached by ClinVar (database versions not stated): 1000 Genomes Project 0.00060; 1000 Genomes Project 30x 0.00062; ESP Exome Variant Server 0.00138; ExAC 0.00163; gnomAD exomes 0.00176 and 0.00268; gnomAD 0.00181 and 0.00183; TOPMed 0.00186.
gnomAD v4.1: 4,156 of 1,608,286 alleles (0.26%); highest among the groups gnomAD compares: Non-Finnish European, 0.31%; 10 homozygotes.

Submissions (7):

CeGaT Center for Human Genetics Tuebingen
Classification: Likely benign. Last evaluated: 2026-08-01. Review status: criteria provided, single submitter. Criteria: CeGaT Center For Human Genetics Tuebingen Variant Classification Criteria Version 2. Collection method: clinical testing. Allele origin: germline. Affected: yes. Observed: 4 variant alleles.
Comment: CARD14: BP4, BS1

Labcorp Genetics (formerly Invitae), Labcorp
Classification: Likely benign for Pityriasis rubra pilaris; Psoriasis 2. Last evaluated: 2026-02-01. Review status: criteria provided, single submitter. Criteria: Invitae Variant Classification Sherloc (09022015). Collection method: clinical testing. Allele origin: germline.

Mayo Clinic Laboratories, Mayo Clinic
Classification: Benign. Last evaluated: 2025-06-10. Review status: criteria provided, single submitter. Criteria: ACMG Guidelines, 2015. Collection method: clinical testing. Allele origin: germline. Observed: 5 variant alleles.
Comment: BS1, BS2, BP4, BP7

Blueprint Genetics
Classification: Likely benign. Last evaluated: 2024-11-27. Review status: criteria provided, single submitter. Criteria: ACMG Guidelines, 2015. Collection method: clinical testing. Allele origin: germline.

Genome Diagnostics Laboratory, The Hospital for Sick Children
Classification: Benign for Autoinflammatory syndrome. Last evaluated: 2022-04-20. Review status: criteria provided, single submitter. Criteria: ACMG Guidelines, 2015. Collection method: clinical testing. Allele origin: germline. Affected: yes.

Clinical Genetics DNA and cytogenetics Diagnostics Lab, Erasmus MC, Erasmus Medical Center
Classification: Likely benign. Review status: no assertion criteria provided. Collection method: clinical testing. Allele origin: germline. Affected: yes. Study: VKGL Data-share Consensus. Not counted in ClinVar's aggregate classification.

Genome Diagnostics Laboratory, University Medical Center Utrecht
Classification: Likely benign. Review status: no assertion criteria provided. Collection method: clinical testing. Allele origin: germline. Affected: yes. Study: VKGL Data-share Consensus. Not counted in ClinVar's aggregate classification.

Literature cited by the submitters: PubMed 26203641 (cited by Mayo Clinic Laboratories, Mayo Clinic); PubMed 36174714 (cited by Mayo Clinic Laboratories, Mayo Clinic).

NM_001366385.1(CARD14):c.2569+4T>C

Genes: SGSH (N-sulfoglucosamine sulfohydrolase; minus strand), CARD14 (caspase recruitment domain family member 14; plus strand), LOC126862662 (MED14-independent group 3 enhancer GRCh37_chr17:78178385-78179584; plus strand). Cytogenetic location: 17q25.3.
Variant type: single nucleotide variant.
Coding change: c.2569+4T>C on transcript NM_001366385.1 (MANE Select); 4 bases into the intron after coding-DNA position 2569, T replaced by C.
Molecular consequence: intron variant.
Genome position (GRCh38, 1-based): chr17:80,205,209, T>C. VCF-style: chr17-80205209-T-C. GRCh37 (hg19) VCF-style: chr17-78179008-T-C.
Other names: p.?; c.2569+4T>C (NM_024110.4, LRG_1330t1).
Identifiers: ClinVar variation 527886 (VCV000527886.43), dbSNP rs146678380, ClinGen allele CA8817364.